The following is an entry in ClinVar:

Conditions:
Long QT syndrome 5 (LQT5). Identifiers: Orphanet 101016, Orphanet 768, MedGen C1867904, MONDO:0013372, OMIM 613695.

Submission:

Roden Lab, Vanderbilt University Medical Center
No classification provided (evidence only). Condition: Long QT syndrome 5. Review status: no classification provided. Collection method: in vitro. Allele origin: not applicable. Functional consequence: Effect on ion channel function.
ClinVar note: "not provided" was previously submitted as the classification for the variant. However, the classification appeared to be based only on an observation of functional data so it was converted to no classification on 2025-07-30.

NM_000219.6(KCNE1):c.24G>T (p.Ala8=)

Gene: KCNE1 (potassium voltage-gated channel subfamily E regulatory subunit 1; minus strand). Cytogenetic location: 21q22.12.
Variant type: single nucleotide variant.
Coding change: c.24G>T on transcript NM_000219.6 (MANE Select); coding-DNA position 24, G replaced by T.
Protein change: p.Ala8=; no amino-acid change (alanine 8 retained).
Molecular consequence: synonymous variant.
Genome position (GRCh38, 1-based): chr21:34,449,611, C>A on the plus strand (G>T on the coding strand, the complement: KCNE1 is on the minus strand). VCF-style: chr21-34449611-C-A. GRCh37 (hg19) VCF-style: chr21-35821909-C-A.
Other names: c.24G>T, p.Ala8= (NM_001127668.4, NM_001127669.4, NM_001127670.4 and 4 more transcripts).
Identifiers: ClinVar variation 3374426 (VCV003374426.2).